The following is an entry in ClinVar:

NM_006531.5(IFT88):c.901A>T (p.Met301Leu)

Gene: IFT88 (intraflagellar transport 88; plus strand). Cytogenetic location: 13q12.11.
Variant type: single nucleotide variant.
Coding change: c.901A>T on transcript NM_006531.5 (MANE Select); coding-DNA position 901, A replaced by T.
Protein change: p.Met301Leu; replaces methionine 301 with leucine.
Molecular consequence: missense variant. On other transcripts: non-coding transcript variant (5), intron variant (7).
Genome position (GRCh38, 1-based): chr13:20,601,793, A>T. VCF-style: chr13-20601793-A-T. GRCh37 (hg19) VCF-style: chr13-21175932-A-T.
Other names: c.844A>T, p.Met282Leu (NM_001318491.2, NM_001353573.2, NM_001353575.2); c.928A>T, p.Met310Leu (NM_001318493.2, NM_001353565.2, NM_001353566.2 and 2 more transcripts); c.901A>T, p.Met301Leu (NM_001353568.2, NM_001353572.2); c.268A>T, p.Met90Leu (NM_001353579.2); c.883+45A>T (NM_001353570.2, NM_001353576.2, NM_001353577.2 and 1 more transcripts); c.856+45A>T (NM_001353571.2, NM_001353578.2); c.799+45A>T (NM_001353574.2); short protein forms M90L, M310L, M282L, M301L.
Identifiers: ClinVar variation 1973529 (VCV001973529.5), dbSNP rs1330543877, ClinGen allele CA387474675.

ClinVar aggregate classification (germline): Uncertain significance (1 of 4 stars; one submission).

gnomAD v4.1: 1 of 1,613,646 alleles (0.000062%); highest among the groups gnomAD compares: Non-Finnish European, 0.000085%; no homozygotes.

Submission:

Labcorp Genetics (formerly Invitae), Labcorp
Classification: Uncertain significance. Last evaluated: 2024-12-24. Review status: criteria provided, single submitter. Criteria: Invitae Variant Classification Sherloc (09022015). Collection method: clinical testing. Allele origin: germline.
Comment: This sequence change replaces methionine, which is neutral and non-polar, with leucine, which is neutral and non-polar, at codon 310 of the IFT88 protein (p.Met310Leu). This variant is not present in population databases (gnomAD no frequency). This variant has not been reported in the literature in individuals affected with IFT88-related conditions. ClinVar contains an entry for this variant (Variation ID: 1973529). An algorithm developed to predict the effect of missense changes on protein structure and function (PolyPhen-2) suggests that this variant is likely to be tolerated. In summary, the available evidence is currently insufficient to determine the role of this variant in disease. Therefore, it has been classified as a Variant of Uncertain Significance.